The following is an entry in ClinVar:

NM_000138.5(FBN1):c.8089C>A (p.Pro2697Thr)

Gene: FBN1 (fibrillin 1; minus strand). Cytogenetic location: 15q21.1.
Variant type: single nucleotide variant.
Coding change: c.8089C>A on transcript NM_000138.5 (MANE Select); coding-DNA position 8089, C replaced by A.
Protein change: p.Pro2697Thr; replaces proline 2697 with threonine.
Molecular consequence: missense variant.
Genome position (GRCh38, 1-based): chr15:48,412,706, G>T on the plus strand (C>A on the coding strand, the complement: FBN1 is on the minus strand). VCF-style: chr15-48412706-G-T. GRCh37 (hg19) VCF-style: chr15-48704903-G-T.
Other names: c.8089C>A, p.Pro2697Thr (NM_001406716.1); short protein forms P2697T.
Identifiers: ClinVar variation 2150578 (VCV002150578.5), dbSNP rs1483017438, ClinGen allele CA392321529.

ClinVar aggregate classification (germline): Conflicting classifications of pathogenicity. Review status: criteria provided, conflicting classifications (1 of 4 stars). 2 submissions from 2 submitters: Uncertain significance (1); Likely benign (1). Last evaluated 2025-06-08.

Conditions:
Marfan syndrome (MFS). Also called: MARFAN SYNDROME, TYPE I; Marfan syndrome type 1; Marfan's syndrome; Marfan syndrome, classic; FBN1-Related Marfan Syndrome. Identifiers: Orphanet 284963, Orphanet 558, MedGen C0024796, MONDO:0007947, OMIM 154700.
Familial thoracic aortic aneurysm and aortic dissection (TAAD). Also called: Thoracic aortic aneurysms and dissections. Identifiers: Orphanet 91387, MedGen C4707243, MONDO:0019625.

Allele frequency attached by ClinVar (database versions not stated): gnomAD exomes below 0.00001.
gnomAD v4.1: 1 of 1,614,238 alleles (0.000062%); highest among the groups gnomAD compares: Admixed American, 0.0017%; no homozygotes.

Submissions (2):

Labcorp Genetics (formerly Invitae), Labcorp
Classification: Likely benign for Marfan syndrome; Familial thoracic aortic aneurysm and aortic dissection. Last evaluated: 2025-06-08. Review status: criteria provided, single submitter. Criteria: Invitae Variant Classification Sherloc (09022015). Collection method: clinical testing. Allele origin: germline.

All of Us Research Program, National Institutes of Health
Classification: Uncertain significance for Marfan syndrome. Last evaluated: 2024-05-14. Review status: criteria provided, single submitter. Criteria: ACMG Guidelines, 2015. Collection method: clinical testing. Allele origin: germline. Inheritance: Autosomal dominant inheritance. Observed: 1 variant allele, 1 heterozygote.
Comment: This missense variant replaces proline with threonine at codon 2697 of the FBN1 protein. Computational prediction suggests that this variant may not impact protein structure and function (internally defined REVEL score threshold <= 0.5, PMID: 27666373). To our knowledge, functional studies have not been reported for this variant. This variant has not been reported in individuals affected with FBN1-related disorders in the literature. This variant has been identified in 1/251424 chromosomes in the general population by the Genome Aggregation Database (gnomAD). The available evidence is insufficient to determine the role of this variant in disease conclusively. Therefore, this variant is classified as a Variant of Uncertain Significance.

This study involves interpretation of variants in research participants for the purpose of population health screening. Participant phenotype was not available at the time of variant classification. Additional details can be found in publication PMID: 35346344, PMCID: PMC8962531